The following is an entry in ClinVar:

ClinVar aggregate classification (germline): Uncertain significance (1 of 4 stars; one submission).

Conditions:
Hereditary breast ovarian cancer syndrome. Also called: Hereditary breast and ovarian cancer; BRCA1- and BRCA2-Associated Hereditary Breast and Ovarian Cancer; Hereditary breast and ovarian cancer syndrome; Hereditary breast and ovarian cancer syndrome (HBOC); Breast and ovarian cancer; Hereditary breast and/or ovarian cancer syndrome. Identifiers: Orphanet 145, MedGen C0677776, MeSH D061325, MONDO:0003582. Disease mechanism: loss of function.

Submission:

Labcorp Genetics (formerly Invitae), Labcorp
Classification: Uncertain significance for Hereditary breast ovarian cancer syndrome. Last evaluated: 2020-12-24. Review status: criteria provided, single submitter. Criteria: Invitae Variant Classification Sherloc (09022015). Collection method: clinical testing. Allele origin: germline.
Comment: This variant has not been reported in the literature in individuals with BRCA2-related conditions. In summary, the available evidence is currently insufficient to determine the role of this variant in disease. Therefore, it has been classified as a Variant of Uncertain Significance. Advanced modeling of protein sequence and biophysical properties (such as structural, functional, and spatial information, amino acid conservation, physicochemical variation, residue mobility, and thermodynamic stability) performed at Invitae indicates that this missense variant is not expected to disrupt BRCA2 protein function. This variant is not present in population databases (ExAC no frequency). This sequence change replaces methionine with isoleucine at codon 3322 of the BRCA2 protein (p.Met3322Ile). The methionine residue is weakly conserved and there is a small physicochemical difference between methionine and isoleucine.

NM_000059.4(BRCA2):c.9966G>T (p.Met3322Ile)

Gene: BRCA2 (BRCA2 DNA repair associated; plus strand). Cytogenetic location: 13q13.1.
Variant type: single nucleotide variant.
Coding change: c.9966G>T on transcript NM_000059.4 (MANE Select); coding-DNA position 9966, G replaced by T.
Protein change: p.Met3322Ile; replaces methionine 3322 with isoleucine.
Molecular consequence: missense variant.
Genome position (GRCh38, 1-based): chr13:32,398,479, G>T. VCF-style: chr13-32398479-G-T. GRCh37 (hg19) VCF-style: chr13-32972616-G-T.
Other names: short protein forms M3322I.
Identifiers: ClinVar variation 1482183 (VCV001482183.8), dbSNP rs2137665407, ClinGen allele CA387767430.
Genomic context (GRCh38, chr13:32,398,479, plus strand): 5'-GAGTTGTGGCACCAAATACGAAACACCCATAAAGAAAAAAGAACTGAATTCTCCTCAGAT[G>T]ACTCCATTTAAAAAATTCAATGAAATTTCTCTTTTGGAAAGTAATTCAATAGCTGACGAA-3'
Protein context (NP_000050.3, residues 3312-3332): IKKKELNSPQ[Met3322Ile]TPFKKFNEIS